The following is an entry in ClinVar:

ClinVar aggregate classification (germline): Likely benign (1 of 4 stars; one submission).

Allele frequency attached by ClinVar (database versions not stated): gnomAD exomes 0.00007; gnomAD 0.00026 and 0.00028; TOPMed 0.00030; ESP Exome Variant Server 0.00038.
gnomAD v4.1: 93 of 1,595,538 alleles (0.0058%); highest among the groups gnomAD compares: African/African-American, 0.075%; no homozygotes.

Submission:

GeneDx
Classification: Likely benign. Last evaluated: 2017-08-30. Review status: criteria provided, single submitter. Criteria: GeneDx Variant Classification (06012015). Collection method: clinical testing. Allele origin: germline. Affected: yes.
Comment: This variant is considered likely benign or benign based on one or more of the following criteria: it is a conservative change, it occurs at a poorly conserved position in the protein, it is predicted to be benign by multiple in silico algorithms, and/or has population frequency not consistent with disease.

NM_004046.6(ATP5F1A):c.1177-20C>T

Gene: ATP5F1A (ATP synthase F1 subunit alpha; minus strand). Cytogenetic location: 18q21.1.
Variant type: single nucleotide variant.
Coding change: c.1177-20C>T on transcript NM_004046.6 (MANE Select); 20 bases into the intron before coding-DNA position 1177, C replaced by T.
Molecular consequence: intron variant.
Genome position (GRCh38, 1-based): chr18:46,086,514, G>A on the plus strand (C>T on the coding strand, the complement: ATP5F1A is on the minus strand). VCF-style: chr18-46086514-G-A. GRCh37 (hg19) VCF-style: chr18-43666480-G-A.
Other names: c.1177-20C>T (NM_001001937.2); c.1111-20C>T (NM_001257334.2); c.1027-20C>T (NM_001001935.3, NM_001257335.2).
Identifiers: ClinVar variation 385798 (VCV000385798.1), dbSNP rs369105133, ClinGen allele CA8950632.